The following is an entry in ClinVar:

ClinVar aggregate classification (germline): Pathogenic (1 of 4 stars; one submission).

Conditions:
CEP290-related ciliopathy. Also called: CEP290 ciliopathy. Identifiers: MedGen CN305601, MONDO:0100451.

Submission:

Myriad Genetics, Inc.
Classification: Pathogenic for CEP290-related ciliopathy. Last evaluated: 2025-08-05. Review status: criteria provided, single submitter. Criteria: Myriad Autosomal Dominant, Autosomal Recessive and X-Linked Classification Criteria (2023). Collection method: clinical testing. Allele origin: unknown.
Comment: NM_025114.3(CEP290):c.3257C>A(S1086*) is expected to be pathogenic in the context of CEP290-related disorders. This variant is predicted to lead to an abnormal or absent protein product due to the creation of a premature termination codon in CEP290, a gene where loss-of-function variants are known to be pathogenic. Please note: this variant was assessed in the context of healthy population screening.

NM_025114.4(CEP290):c.3257C>A (p.Ser1086Ter)

Gene: CEP290 (centrosomal protein 290; minus strand). Cytogenetic location: 12q21.32.
Variant type: single nucleotide variant.
Coding change: c.3257C>A on transcript NM_025114.4 (MANE Select); coding-DNA position 3257, C replaced by A.
Protein change: p.Ser1086Ter; replaces serine 1086 with a stop codon.
Molecular consequence: nonsense.
Genome position (GRCh38, 1-based): chr12:88,093,822, G>T on the plus strand (C>A on the coding strand, the complement: CEP290 is on the minus strand). VCF-style: chr12-88093822-G-T. GRCh37 (hg19) VCF-style: chr12-88487599-G-T.
Other names: short protein forms S1086*.
Identifiers: ClinVar variation 5014819 (VCV005014819.1).